The following is an entry in ClinVar:

ClinVar aggregate classification (germline): Uncertain significance. Review status: criteria provided, multiple submitters, no conflicts (2 of 4 stars). 3 submissions from 3 submitters: Uncertain significance (3). Last evaluated 2025-02-01.

Conditions:
Neurodevelopmental disorder with or without hyperkinetic movements and seizures, autosomal dominant. Also called: Intellectual disability, autosomal dominant 8. Identifiers: MedGen C3280282, MONDO:0013655, OMIM 614254.

Submissions (3):

CeGaT Center for Human Genetics Tuebingen
Classification: Uncertain significance. Last evaluated: 2025-02-01. Review status: criteria provided, single submitter. Criteria: CeGaT Center For Human Genetics Tuebingen Variant Classification Criteria Version 2. Collection method: clinical testing. Allele origin: germline. Affected: yes. Observed: 1 variant allele.
Comment: GRIN1: PM2

Labcorp Genetics (formerly Invitae), Labcorp
Classification: Uncertain significance for Neurodevelopmental disorder with or without hyperkinetic movements and seizures, autosomal dominant. Last evaluated: 2024-10-30. Review status: criteria provided, single submitter. Criteria: Invitae Variant Classification Sherloc (09022015). Collection method: clinical testing. Allele origin: germline.
Comment: This sequence change replaces proline, which is neutral and non-polar, with threonine, which is neutral and polar, at codon 319 of the GRIN1 protein (p.Pro319Thr). This variant is not present in population databases (gnomAD no frequency). This variant has not been reported in the literature in individuals affected with GRIN1-related conditions. ClinVar contains an entry for this variant (Variation ID: 960637). Invitae Evidence Modeling of protein sequence and biophysical properties (such as structural, functional, and spatial information, amino acid conservation, physicochemical variation, residue mobility, and thermodynamic stability) has been performed for this missense variant. However, the output from this modeling did not meet the statistical confidence thresholds required to predict the impact of this variant on GRIN1 protein function. In summary, the available evidence is currently insufficient to determine the role of this variant in disease. Therefore, it has been classified as a Variant of Uncertain Significance.

Blueprint Genetics
Classification: Uncertain significance. Last evaluated: 2018-06-28. Review status: criteria provided, single submitter. Criteria: ACMG Guidelines, 2015. Collection method: clinical testing. Allele origin: germline.

NM_007327.4(GRIN1):c.955C>A (p.Pro319Thr)

Gene: GRIN1 (glutamate ionotropic receptor NMDA type subunit 1; plus strand). Cytogenetic location: 9q34.3.
Variant type: single nucleotide variant.
Coding change: c.955C>A on transcript NM_007327.4 (MANE Select); coding-DNA position 955, C replaced by A.
Protein change: p.Pro319Thr; replaces proline 319 with threonine.
Molecular consequence: missense variant.
Genome position (GRCh38, 1-based): chr9:137,157,024, C>A. VCF-style: chr9-137157024-C-A. GRCh37 (hg19) VCF-style: chr9-140051476-C-A.
Other names: c.955C>A, p.Pro319Thr (NM_000832.7, NM_021569.4); c.1018C>A, p.Pro340Thr (NM_001185090.2, NM_001185091.2); short protein forms P319T, P340T.
Identifiers: ClinVar variation 960637 (VCV000960637.24), dbSNP rs1833266868, ClinGen allele CA375715243.